The following is an entry in ClinVar:

ClinVar aggregate classification (germline): Uncertain significance. Review status: criteria provided, multiple submitters, no conflicts (2 of 4 stars). 3 submissions from 3 submitters: Uncertain significance (2). 1 of the submissions does not count toward it. Last evaluated 2024-08-01.

Conditions:
MYO9A-related disorder. Also called: MYO9A-related condition.
Inborn genetic diseases. Identifiers: MedGen C0950123, MeSH D030342.

Allele frequency attached by ClinVar (database versions not stated): gnomAD 0.00018; 1000 Genomes Project 0.00020; gnomAD exomes 0.00021; TOPMed 0.00021; ExAC 0.00023; ESP Exome Variant Server 0.00023; 1000 Genomes Project 30x 0.00031.
gnomAD v4.1: 341 of 1,588,486 alleles (0.021%); highest among the groups gnomAD compares: Middle Eastern, 0.35%; no homozygotes.

Submissions (3):

CeGaT Center for Human Genetics Tuebingen
Classification: Uncertain significance. Last evaluated: 2024-08-01. Review status: criteria provided, single submitter. Criteria: CeGaT Center For Human Genetics Tuebingen Variant Classification Criteria Version 2. Collection method: clinical testing. Allele origin: germline. Affected: yes. Observed: 2 variant alleles.

Ambry Genetics
Classification: Uncertain significance for Inborn genetic diseases. Last evaluated: 2021-06-23. Review status: criteria provided, single submitter. Criteria: Ambry Variant Classification Scheme 2023. Collection method: clinical testing. Allele origin: germline.

PreventionGenetics, part of Exact Sciences
Classification: Likely benign for MYO9A-related condition. Last evaluated: 2024-09-08. Review status: no assertion criteria provided. Collection method: clinical testing. Allele origin: germline. Not counted in ClinVar's aggregate classification.
Comment: This variant is classified as likely benign based on ACMG/AMP sequence variant interpretation guidelines (Richards et al. 2015 PMID: 25741868, with internal and published modifications).

NM_006901.4(MYO9A):c.2935A>G (p.Asn979Asp)

Gene: MYO9A (myosin IXA; minus strand). Cytogenetic location: 15q23.
Variant type: single nucleotide variant.
Coding change: c.2935A>G on transcript NM_006901.4 (MANE Select); coding-DNA position 2935, A replaced by G.
Protein change: p.Asn979Asp; replaces asparagine 979 with aspartic acid.
Molecular consequence: missense variant.
Genome position (GRCh38, 1-based): chr15:71,903,006, T>C on the plus strand (A>G on the coding strand, the complement: MYO9A is on the minus strand). VCF-style: chr15-71903006-T-C. GRCh37 (hg19) VCF-style: chr15-72195347-T-C.
Other names: c.2935A>G (NM_006901.3, NM_006901.2); short protein forms N979D.
Identifiers: ClinVar variation 2645509 (VCV002645509.25), dbSNP rs140202785, ClinGen allele CA7641691.